The following is an entry in ClinVar:

ClinVar aggregate classification (germline): Benign (1 of 4 stars; one submission).

Submission:

Unidad de Genómica Garrahan, Hospital de Pediatría Garrahan
Classification: Benign. Last evaluated: 2024-01-24. Review status: criteria provided, single submitter. Criteria: ACMG Guidelines, 2015. Collection method: clinical testing. Allele origin: germline. Affected: no. Observed: 35 variant alleles.
Comment: This variant is classified as Benign based on local population frequency. This variant was detected in 40% of patients studied by a panel of primary immunodeficiencies. Number of patients: 35. Only high quality variants are reported.

NM_002163.4(IRF8):c.-1-220_-1-219insGGGCTGCAGG

Gene: IRF8 (interferon regulatory factor 8; plus strand). Cytogenetic location: 16q24.1.
Variant type: Insertion.
Coding change: c.-1-220_-1-219insGGGCTGCAGG on transcript NM_002163.4 (MANE Select); 220 bases into the intron before 1 bases upstream of the start codon through 219 bases into the intron before 1 bases upstream of the start codon, GGGCTGCAGG inserted.
Molecular consequence: intron variant.
Genome position: GRCh38 VCF-style: chr16-85902786-T-TGGCTGCAGGG. GRCh37 (hg19) VCF-style: chr16-85936392-T-TGGCTGCAGGG.
Identifiers: ClinVar variation 2688439 (VCV002688439.2), dbSNP rs11268025, ClinGen allele CA725254237.